The following is an entry in ClinVar:

NM_000094.4(COL7A1):c.8226+1del

Gene: COL7A1 (collagen type VII alpha 1 chain; minus strand). Cytogenetic location: 3p21.31.
Variant type: Deletion.
Coding change: c.8226+1del on transcript NM_000094.4 (MANE Select); the canonical splice donor site of the intron after coding-DNA position 8226, one base deleted (G; older notation c.8226+1delG).
Molecular consequence: splice donor variant.
Genome position (GRCh38, 1-based): chr3:48,566,906, C deleted on the plus strand (G on the coding strand, the reverse complement: COL7A1 is on the minus strand); the first of 2 consecutive C bases (chr3:48,566,906-48,566,907); deleting either gives the same sequence. VCF-style (leftmost placement, unchanged base first): chr3-48566905-AC-A. GRCh37 (hg19) VCF-style: chr3-48604338-AC-A.
Identifiers: ClinVar variation 1453630 (VCV001453630.6), dbSNP rs2107632493, ClinGen allele CA2573137107.

ClinVar aggregate classification (germline): Pathogenic (1 of 4 stars; one submission).

Submission:

Labcorp Genetics (formerly Invitae), Labcorp
Classification: Pathogenic. Last evaluated: 2021-10-12. Review status: criteria provided, single submitter. Criteria: Invitae Variant Classification Sherloc (09022015). Collection method: clinical testing. Allele origin: germline.
Comment: For these reasons, this variant has been classified as Pathogenic. Algorithms developed to predict the effect of sequence changes on RNA splicing suggest that this variant may disrupt the consensus splice site. This variant is also known as c.8226+1del. This premature translational stop signal has been observed in individual(s) with autosomal recessive epidermolysis bullosa dystrophica (PMID: 19665875). This variant is not present in population databases (ExAC no frequency). This sequence change creates a premature translational stop signal (p.Gly2743Valfs*43) in the COL7A1 gene. It is expected to result in an absent or disrupted protein product. Loss-of-function variants in COL7A1 are known to be pathogenic (PMID: 16971478).

Literature cited by the submitters: PubMed 19665875; PubMed 16971478.